The following is an entry in ClinVar:

ClinVar aggregate classification (germline): Conflicting classifications of pathogenicity. Review status: criteria provided, conflicting classifications (1 of 4 stars). 12 submissions from 12 submitters: Uncertain significance (1); Benign (4); Likely benign (4). 3 of the submissions do not count toward it. Last evaluated 2026-09-01.

Conditions:
Kabuki syndrome. Also called: NIIKAWA-KUROKI SYNDROME; Kabuki make-up syndrome. Identifiers: Orphanet 2322, MedGen C0796004, MONDO:0016512.
Kabuki syndrome 1 (KABUK1). Also called: KMT2D-Related Kabuki Syndrome. Identifiers: Orphanet 2322, MedGen CN030661, MONDO:0007843, OMIM 147920.

Allele frequency attached by ClinVar (database versions not stated): 1000 Genomes Project 0.00160; ExAC 0.00173; gnomAD exomes 0.00214 and 0.00166; ESP Exome Variant Server 0.00252; TOPMed 0.00209; 1000 Genomes Project 30x 0.00172; gnomAD 0.00220 and 0.00223.
gnomAD v4.1: 3,437 of 1,612,538 alleles (0.21%); highest among the groups gnomAD compares: African/African-American, 0.29%; 2 homozygotes.

Submissions (12):

CeGaT Center for Human Genetics Tuebingen
Classification: Likely benign. Last evaluated: 2026-09-01. Review status: criteria provided, single submitter. Criteria: CeGaT Center For Human Genetics Tuebingen Variant Classification Criteria Version 2. Collection method: clinical testing. Allele origin: germline. Affected: yes. Observed: 9 variant alleles.
Comment: KMT2D: BS1

Labcorp Genetics (formerly Invitae), Labcorp
Classification: Likely benign for Kabuki syndrome. Last evaluated: 2026-02-02. Review status: criteria provided, single submitter. Criteria: Invitae Variant Classification Sherloc (09022015). Collection method: clinical testing. Allele origin: germline.

Blueprint Genetics
Classification: Likely benign. Last evaluated: 2024-10-08. Review status: criteria provided, single submitter. Criteria: ACMG Guidelines, 2015. Collection method: clinical testing. Allele origin: germline.

GeneDx
Classification: Benign. Last evaluated: 2019-05-10. Review status: criteria provided, single submitter. Criteria: GeneDx Variant Classification Process June 2021. Collection method: clinical testing. Allele origin: germline. Affected: yes.
Comment: This variant is associated with the following publications: (PMID: 30459467, 30107592, 28389907, 29627316, 28440294)

Genetic Services Laboratory, University of Chicago
Classification: Likely benign. Last evaluated: 2017-06-16. Review status: criteria provided, single submitter. Criteria: ACMG Guidelines, 2015. Collection method: clinical testing. Allele origin: germline. Affected: no.

Athena Diagnostics
Classification: Benign. Last evaluated: 2017-01-25. Review status: criteria provided, single submitter. Criteria: Athena Diagnostics Criteria. Collection method: clinical testing. Allele origin: germline.

Center for Human Genetics, Inc
Classification: Uncertain significance for Kabuki syndrome 1. Last evaluated: 2016-11-01. Review status: criteria provided, single submitter. Criteria: ACMG Guidelines, 2015. Collection method: clinical testing. Allele origin: germline. Affected: yes.

Eurofins Ntd Llc (ga)
Classification: Benign. Last evaluated: 2014-06-17. Review status: criteria provided, single submitter. Criteria: EGL Classification Definitions 2015. Collection method: clinical testing. Allele origin: germline. Observed: 2 variant alleles, 2 heterozygotes.

PreventionGenetics, part of Exact Sciences
Classification: Benign. Review status: criteria provided, single submitter. Criteria: ACMG Guidelines, 2015. Collection method: clinical testing. Allele origin: germline.

ITMI
No classification provided. Condition: AllHighlyPenetrant. Last evaluated: 2013-09-19. Review status: no classification provided. Collection method: reference population. Allele origin: germline. Not counted in ClinVar's aggregate classification.
Comment: Please see associated publication for description of ethnicities

Clinical Genetics DNA and cytogenetics Diagnostics Lab, Erasmus MC, Erasmus Medical Center
Classification: Likely benign. Review status: no assertion criteria provided. Collection method: clinical testing. Allele origin: germline. Affected: yes. Study: VKGL Data-share Consensus. Not counted in ClinVar's aggregate classification.

Diagnostic Laboratory, Department of Genetics, University Medical Center Groningen
Classification: Likely benign. Review status: no assertion criteria provided. Collection method: clinical testing. Allele origin: germline. Affected: yes. Study: VKGL Data-share Consensus. Not counted in ClinVar's aggregate classification.

Literature cited by the submitters: PubMed 24728327 (cited by ITMI).

NM_003482.4(KMT2D):c.8774C>T (p.Ala2925Val)

Gene: KMT2D (lysine methyltransferase 2D; minus strand). Cytogenetic location: 12q13.12.
Variant type: single nucleotide variant.
Coding change: c.8774C>T on transcript NM_003482.4 (MANE Select); coding-DNA position 8774, C replaced by T.
Protein change: p.Ala2925Val; replaces alanine 2925 with valine.
Molecular consequence: missense variant.
Genome position (GRCh38, 1-based): chr12:49,038,582, G>A on the plus strand (C>T on the coding strand, the complement: KMT2D is on the minus strand). VCF-style: chr12-49038582-G-A. GRCh37 (hg19) VCF-style: chr12-49432365-G-A.
Other names: short protein forms A2925V.
Identifiers: ClinVar variation 94260 (VCV000094260.50), dbSNP rs199547661, ClinGen allele CA147715.